The following is an entry in ClinVar:

ClinVar aggregate classification (germline): not provided (0 of 4 stars; one submission).

Conditions:
Normal pregnancy. Identifiers: MedGen C0232989.

Submission:

Institute of Molecular and Cell Biology, University of Tartu
No classification provided. Condition: Normal pregnancy. Review status: no classification provided. Collection method: case-control. Allele origin: unknown. Affected: yes. Study: Kasak2014.
Comment: The study aimed to determine the contribution of copy number variants in the genetic etiology of normal and complicated pregnancies. The samples represented (i) maternal blood DNA drawn from healthy pregnant women during 1st or 2nd trimester and (ii) maternal and paternal blood DNA drawn at term pregnancy cases representing normal and complicated gestations (severe preeclampsia, PE; gestational diabetes, GD; small-for-gestational age newborn, SGA; large-for-gestational age newborn, LGA). We performed CNV calling based on genome-wide genotyping dataset (Illumina HumanOmniExpress-24-v1 BeadChip) by applying three algorithms, QuantiSNP, GADA (Genome Alteration Detection Algorithm) and CNstream in parallel. The acquired CNV calls were merged with HD-CNV (Hotspot Detector for Copy Number Variants) program and only the CNVs predicted by at least two programs, were considered in subsequent analysis.

Literature cited by the submitters: PubMed 25666259.

CM000666.1:g.44976703_45002987dup

Variant type: Duplication.
Identifiers: ClinVar variation 156915 (VCV000156915.2).